The following is an entry in ClinVar:

ClinVar aggregate classification (germline): Uncertain significance (0 of 4 stars; one submission).

Conditions:
RPGRIP1L-related disorder. Also called: RPGRIP1L-related condition; RPGRIP1L-related disorders. Identifiers: MedGen CN239416.

gnomAD v4.1: 3 of 702,966 alleles (0.00043%); highest among the groups gnomAD compares: African/African-American, 0.0017%; no homozygotes.

Submission:

PreventionGenetics, part of Exact Sciences
Classification: Uncertain significance for RPGRIP1L-related condition. Last evaluated: 2024-09-04. Review status: no assertion criteria provided. Collection method: clinical testing. Allele origin: germline.
Comment: The RPGRIP1L c.239A>C variant is predicted to result in the amino acid substitution p.Glu80Ala. This variant is referred to as c.230+701A>C (Intronic) with an alternate transcript NM_015272.4. To our knowledge, this variant has not been reported in the literature or in gnomAD, indicating this variant is rare. At this time, the clinical significance of this variant is uncertain due to the absence of conclusive functional and genetic evidence.

NM_015272.5(RPGRIP1L):c.230+701A>C

Gene: RPGRIP1L (RPGRIP1 like; minus strand). Cytogenetic location: 16q12.2.
Variant type: single nucleotide variant.
Coding change: c.230+701A>C on transcript NM_015272.5 (MANE Select); 701 bases into the intron after coding-DNA position 230, A replaced by C.
Molecular consequence: intron variant. On other transcripts: missense variant (1).
Genome position (GRCh38, 1-based): chr16:53,695,450, T>G on the plus strand (A>C on the coding strand, the complement: RPGRIP1L is on the minus strand). VCF-style: chr16-53695450-T-G. GRCh37 (hg19) VCF-style: chr16-53729362-T-G.
Other names: c.239A>C, p.Glu80Ala (NM_001328422.2); c.230+701A>C (NM_001127897.4, NM_001330538.2, NM_001308334.3); short protein forms E80A.
Identifiers: ClinVar variation 3356971 (VCV003356971.1).